The following is an entry in ClinVar:

ClinVar aggregate classification (germline): Pathogenic. Review status: criteria provided, multiple submitters, no conflicts (2 of 4 stars). 3 submissions from 3 submitters: Pathogenic (3). Last evaluated 2024-08-26.

Conditions:
Acyl-CoA dehydrogenase 9 deficiency. Also called: Acyl-CoA dehydrogenase family, member 9, deficiency of; MITOCHONDRIAL COMPLEX I DEFICIENCY, NUCLEAR TYPE 20. Identifiers: Orphanet 99901, MedGen C4747517, MONDO:0012624, OMIM 611126.

Allele frequency attached by ClinVar (database versions not stated): gnomAD exomes below 0.00001; TOPMed below 0.00001; gnomAD 0.00001; ESP Exome Variant Server 0.00008.

Submissions (3):

Labcorp Genetics (formerly Invitae), Labcorp
Classification: Pathogenic. Last evaluated: 2024-08-26. Review status: criteria provided, single submitter. Criteria: Invitae Variant Classification Sherloc (09022015). Collection method: clinical testing. Allele origin: germline.
Comment: This sequence change creates a premature translational stop signal (p.Arg85*) in the ACAD9 gene. It is expected to result in an absent or disrupted protein product. Loss-of-function variants in ACAD9 are known to be pathogenic (PMID: 25721401). This variant is present in population databases (rs148694290, gnomAD 0.007%). This variant has not been reported in the literature in individuals affected with ACAD9-related conditions. ClinVar contains an entry for this variant (Variation ID: 1075114). For these reasons, this variant has been classified as Pathogenic.

Department of Pathology and Laboratory Medicine, Sinai Health System
Classification: Pathogenic for Acyl-CoA dehydrogenase 9 deficiency. Last evaluated: 2023-07-10. Review status: criteria provided, single submitter. Criteria: ACMG Guidelines, 2015. Collection method: research. Allele origin: germline.

Athena Diagnostics
Classification: Pathogenic. Last evaluated: 2019-10-11. Review status: criteria provided, single submitter. Criteria: Athena Diagnostics Criteria. Collection method: clinical testing. Allele origin: unknown.
Comment: This variant has been identified in at least one individual with clinical features associated with this gene. This variant is expected to result in the loss of a functional protein. The frequency of this variant in the general population is consistent with pathogenicity for a recessive disorder.This observation is not an independent occurrence and has been identified in the same individual by RCIGM, the other laboratory participating in the GEMINI study.

Literature cited by the submitters: PubMed 25721401 (cited by Labcorp Genetics (formerly Invitae), Labcorp).

NM_014049.5(ACAD9):c.253C>T (p.Arg85Ter)

Gene: ACAD9 (acyl-CoA dehydrogenase family member 9; plus strand). Cytogenetic location: 3q21.3.
Variant type: single nucleotide variant.
Coding change: c.253C>T on transcript NM_014049.5 (MANE Select); coding-DNA position 253, C replaced by T.
Protein change: p.Arg85Ter; replaces arginine 85 with a stop codon.
Molecular consequence: nonsense. On other transcripts: non-coding transcript variant (1).
Genome position (GRCh38, 1-based): chr3:128,893,563, C>T. VCF-style: chr3-128893563-C-T. GRCh37 (hg19) VCF-style: chr3-128612406-C-T.
Other names: short protein forms R85*.
Identifiers: ClinVar variation 1075114 (VCV001075114.12), dbSNP rs148694290, ClinGen allele CA82524099.
Genomic context (GRCh38, chr3:128,893,563, plus strand): 5'-ATTTGTAGAAACATAGCTTATATTTGTTTAATCAAGATTTTCCTCTTGGCAGTGGACTCC[C>T]GAAAAATTGACCAGGAAGGGAAAATCCCAGATGAAACTTTGGAGAAATTGAAGAGCCTAG-3'